The following is an entry in ClinVar:

NM_014363.6(SACS):c.12442C>T (p.Pro4148Ser)

Gene: SACS (sacsin molecular chaperone; minus strand). Cytogenetic location: 13q12.12.
Variant type: single nucleotide variant.
Coding change: c.12442C>T on transcript NM_014363.6 (MANE Select); coding-DNA position 12442, C replaced by T.
Protein change: p.Pro4148Ser; replaces proline 4148 with serine.
Molecular consequence: missense variant.
Genome position (GRCh38, 1-based): chr13:23,331,434, G>A on the plus strand (C>T on the coding strand, the complement: SACS is on the minus strand). VCF-style: chr13-23331434-G-A. GRCh37 (hg19) VCF-style: chr13-23905573-G-A.
Other names: c.12001C>T, p.Pro4001Ser (NM_001278055.2); c.12442C>T (NM_014363.4); short protein forms P4001S, P4148S.
Identifiers: ClinVar variation 1690941 (VCV001690941.3), dbSNP rs968562650, ClinGen allele CA246650703.

ClinVar aggregate classification (germline): Uncertain significance. Review status: criteria provided, multiple submitters, no conflicts (2 of 4 stars). 2 submissions from 2 submitters: Uncertain significance (2). Last evaluated 2025-08-12.

Conditions:
Inborn genetic diseases. Identifiers: MedGen C0950123, MeSH D030342.

Allele frequency attached by ClinVar (database versions not stated): gnomAD exomes below 0.00001; TOPMed below 0.00001.
gnomAD v4.1: 4 of 1,613,828 alleles (0.00025%); highest among the groups gnomAD compares: Admixed American, 0.0033%; no homozygotes.

Submissions (2):

Ambry Genetics
Classification: Uncertain significance for Inborn genetic diseases. Last evaluated: 2025-08-12. Review status: criteria provided, single submitter. Criteria: Ambry Variant Classification Scheme 2023. Collection method: clinical testing. Allele origin: germline.

Laboratorio de Genetica e Diagnostico Molecular, Hospital Israelita Albert Einstein
Classification: Uncertain significance. Last evaluated: 2020-09-29. Review status: criteria provided, single submitter. Criteria: ACMG Guidelines, 2015. Collection method: clinical testing. Allele origin: germline. Affected: yes.
Comment: ACMG classification criteria: BP4